The following is an entry in ClinVar:

ClinVar aggregate classification (germline): Pathogenic. Review status: criteria provided, multiple submitters, no conflicts (2 of 4 stars). 4 submissions from 4 submitters: Pathogenic (2). 2 of the submissions do not count toward it. Last evaluated 2026-02-22.

Conditions:
Jeune thoracic dystrophy. Also called: Jeune syndrome; Infantile thoracic dystrophy; Thoracic pelvic phalangeal dystrophy; Jeune's syndrome; Chondroectodermal dysplasia-like syndrome; Short-rib thoracic dysplasia. Identifiers: Orphanet 474, MedGen C0265275, MONDO:0018770.

Submissions (4):

GeneDx
Classification: Pathogenic. Last evaluated: 2026-02-22. Review status: criteria provided, single submitter. Criteria: GeneDx Variant Classification Process June 2021. Collection method: clinical testing. Allele origin: germline.
Comment: Frameshift variant predicted to result in protein truncation or nonsense mediated decay in a gene for which loss of function is a known mechanism of disease; Not observed at significant frequency in large population cohorts (gnomAD); This variant is associated with the following publications: (PMID: 37091781, 29068549)

Labcorp Genetics (formerly Invitae), Labcorp
Classification: Pathogenic for Jeune thoracic dystrophy. Last evaluated: 2023-07-25. Review status: criteria provided, single submitter. Criteria: Invitae Variant Classification Sherloc (09022015). Collection method: clinical testing. Allele origin: germline.
Comment: For these reasons, this variant has been classified as Pathogenic. ClinVar contains an entry for this variant (Variation ID: 446595). This premature translational stop signal has been observed in individual(s) with short-rib thoracic dysplasia (PMID: 29068549). This variant is present in population databases (rs759649136, gnomAD 0.007%). This sequence change creates a premature translational stop signal (p.Leu3647Serfs*38) in the DYNC2H1 gene. It is expected to result in an absent or disrupted protein product. Loss-of-function variants in DYNC2H1 are known to be pathogenic (PMID: 23339108, 32753734, 33755199).

Dan Cohn Lab, University Of California Los Angeles
Classification: Pathogenic for Asphyxiating thoracic dystrophy. Last evaluated: 2017-06-01. Review status: no assertion criteria provided. Collection method: research. Allele origin: unknown. Affected: yes. Not counted in ClinVar's aggregate classification.

University of Washington Center for Mendelian Genomics, University of Washington
Classification: Likely pathogenic for asphyxiating thoracic dystrophy. Review status: no assertion criteria provided. Collection method: research. Allele origin: inherited. Affected: yes. Not counted in ClinVar's aggregate classification.

Literature cited by the submitters: PubMed 29068549 (cited by 3 submitters); PubMed 23339108 (cited by Labcorp Genetics (formerly Invitae), Labcorp); PubMed 32753734 (cited by Labcorp Genetics (formerly Invitae), Labcorp); PubMed 33755199 (cited by Labcorp Genetics (formerly Invitae), Labcorp).

NM_001377.3(DYNC2H1):c.10918del (p.Leu3640fs)

Gene: DYNC2H1 (dynein cytoplasmic 2 heavy chain 1; plus strand). Cytogenetic location: 11q22.3.
Variant type: Deletion.
Coding change: c.10918del on transcript NM_001377.3 (MANE Select); coding-DNA position 10918, one base deleted (C; older notation c.10918delC).
Protein change: p.Leu3640fs; shifts the reading frame from leucine 3640.
Molecular consequence: frameshift variant.
Genome position (GRCh38, 1-based): chr11:103,286,282, C deleted; the last of 3 consecutive C bases (chr11:103,286,280-103,286,282); deleting any one gives the same sequence. VCF-style (leftmost placement, unchanged base first): chr11-103286279-AC-A. GRCh37 (hg19) VCF-style: chr11-103157008-AC-A.
Other names: c.10939del, p.Leu3647fs (NM_001080463.2); short protein forms L3640fs, L3647fs.
Identifiers: ClinVar variation 446595 (VCV000446595.7), dbSNP rs759649136, ClinGen allele CA6255116.
Genomic context (GRCh38, chr11:103,286,279, plus strand): 5'-TATAGCTCACTGTATATGGCCATTTTTATTTTTTAGATTGCTCTCCCCAGTCTTTATCAG[AC>A]CCTCTGCTTTGAAGATGCAGCTCTGTGGCGTACTTATTATAATAATTCAATGTGTGAGCA-3'